The following is an entry in ClinVar:

NM_006514.4(SCN10A):c.4144-3C>A

Gene: SCN10A (sodium voltage-gated channel alpha subunit 10; minus strand). Cytogenetic location: 3p22.2.
Variant type: single nucleotide variant.
Coding change: c.4144-3C>A on transcript NM_006514.4 (MANE Select); 3 bases into the intron before coding-DNA position 4144, C replaced by A.
Molecular consequence: intron variant.
Genome position (GRCh38, 1-based): chr3:38,709,618, G>T on the plus strand (C>A on the coding strand, the complement: SCN10A is on the minus strand). VCF-style: chr3-38709618-G-T. GRCh37 (hg19) VCF-style: chr3-38751109-G-T.
Other names: c.3850-3C>A (NM_001293307.2); c.4141-3C>A (NM_001293306.2).
Identifiers: ClinVar variation 1738188 (VCV001738188.6), dbSNP rs1480258058, ClinGen allele CA542276249.

ClinVar aggregate classification (germline): Uncertain significance. Review status: criteria provided, multiple submitters, no conflicts (2 of 4 stars). 3 submissions from 3 submitters: Uncertain significance (3). Last evaluated 2026-02-17.

Conditions:
Brugada syndrome. Also called: Sudden unexpected nocturnal death syndrome; Sudden unexplained nocturnal death syndrome; Sudden Unexplained Death Syndrome; Sudden Unexplained Nocturnal Death Syndrome (SUNDS). Identifiers: Orphanet 130, MedGen C1142166, MONDO:0015263.
Cardiovascular phenotype. Identifiers: MedGen CN230736.

Allele frequency attached by ClinVar (database versions not stated): gnomAD 0.00001; gnomAD exomes 0.00001; TOPMed 0.00001.
gnomAD v4.1: 5 of 1,595,386 alleles (0.00031%); highest among the groups gnomAD compares: Non-Finnish European, 0.00043%; no homozygotes.

Submissions (3):

Women's Health and Genetics/Laboratory Corporation of America, LabCorp
Classification: Uncertain significance. Last evaluated: 2026-02-17. Review status: criteria provided, single submitter. Criteria: LabCorp Variant Classification Summary - May 2015. Collection method: clinical testing. Allele origin: germline.
Comment: Variant summary: SCN10A c.4144-3C>A alters a conserved nucleotide located close to a canonical splice site and therefore could affect mRNA splicing, leading to a significantly altered protein sequence. Several computational tools predict a significant impact on normal splicing: Four predict the variant weakens a 3' acceptor site. However, these predictions have yet to be confirmed by functional studies. The variant was absent in 235266 control chromosomes. The available data on variant occurrences in the general population are insufficient to allow any conclusion about variant significance. To our knowledge, no occurrence of c.4144-3C>A in individuals affected with SCN10A-related conditions and no experimental evidence demonstrating its impact on protein function have been reported. ClinVar contains an entry for this variant (Variation ID: 1738188). Based on the evidence outlined above, the variant was classified as uncertain significance.

Labcorp Genetics (formerly Invitae), Labcorp
Classification: Uncertain significance for Brugada syndrome. Last evaluated: 2024-11-05. Review status: criteria provided, single submitter. Criteria: Invitae Variant Classification Sherloc (09022015). Collection method: clinical testing. Allele origin: germline.
Comment: This sequence change falls in intron 23 of the SCN10A gene. It does not directly change the encoded amino acid sequence of the SCN10A protein. It affects a nucleotide within the consensus splice site. This variant is present in population databases (no rsID available, gnomAD 0.007%). This variant has not been reported in the literature in individuals affected with SCN10A-related conditions. ClinVar contains an entry for this variant (Variation ID: 1738188). Variants that disrupt the consensus splice site are a relatively common cause of aberrant splicing (PMID: 17576681, 9536098). Algorithms developed to predict the effect of sequence changes on RNA splicing suggest that this variant may disrupt the consensus splice site. In summary, the available evidence is currently insufficient to determine the role of this variant in disease. Therefore, it has been classified as a Variant of Uncertain Significance.

Ambry Genetics
Classification: Uncertain significance for Cardiovascular phenotype. Last evaluated: 2024-09-04. Review status: criteria provided, single submitter. Criteria: Ambry Variant Classification Scheme 2023. Collection method: clinical testing. Allele origin: germline.
Comment: The c.4144-3C>A intronic variant results from a C to A substitution 3 nucleotides upstream from coding exon 24 in the SCN10A gene. This nucleotide position is well conserved in available vertebrate species. In silico splice site analysis for this alteration is inconclusive. The evidence for this gene-disease relationship is limited; therefore, the clinical significance of this alteration is unclear.

Literature cited by the submitters: PubMed 17576681 (cited by Labcorp Genetics (formerly Invitae), Labcorp); PubMed 9536098 (cited by Labcorp Genetics (formerly Invitae), Labcorp).